The following is an entry in ClinVar:

ClinVar aggregate classification (germline): Likely benign (1 of 4 stars; one submission).

Conditions:
BBS10-related disorder. Also called: BBS10-related condition.

Allele frequency attached by ClinVar (database versions not stated): TOPMed below 0.00001; ExAC 0.00001; gnomAD exomes 0.00001.
gnomAD v4.1: 15 of 1,614,028 alleles (0.00093%); highest among the groups gnomAD compares: Non-Finnish European, 0.0011%; no homozygotes.

Submission:

PreventionGenetics, part of Exact Sciences
Classification: Likely benign for BBS10-related condition. Last evaluated: 2026-09-18. Review status: criteria provided, single submitter. Criteria: ACMG Guidelines, 2015. Collection method: clinical testing. Allele origin: germline.
Comment: This variant is classified as likely benign based on ACMG/AMP sequence variant interpretation guidelines (Richards et al. 2015 PMID: 25741868, with internal and published modifications).

NM_024685.4(BBS10):c.1140A>G (p.Arg380=)

Gene: BBS10 (Bardet-Biedl syndrome 10; minus strand). Cytogenetic location: 12q21.2.
Variant type: single nucleotide variant.
Coding change: c.1140A>G on transcript NM_024685.4 (MANE Select); coding-DNA position 1140, A replaced by G.
Protein change: p.Arg380=; no amino-acid change (arginine 380 retained).
Molecular consequence: synonymous variant.
Genome position (GRCh38, 1-based): chr12:76,346,845, T>C on the plus strand (A>G on the coding strand, the complement: BBS10 is on the minus strand). VCF-style: chr12-76346845-T-C. GRCh37 (hg19) VCF-style: chr12-76740625-T-C.
Identifiers: ClinVar variation 2636441 (VCV002636441.2), dbSNP rs760673745, ClinGen allele CA6694220.